The following is an entry in ClinVar:

NM_001146.5(ANGPT1):c.128A>G (p.Tyr43Cys)

Gene: ANGPT1 (angiopoietin 1; minus strand). Cytogenetic location: 8q23.1.
Variant type: single nucleotide variant.
Coding change: c.128A>G on transcript NM_001146.5 (MANE Select); coding-DNA position 128, A replaced by G.
Protein change: p.Tyr43Cys; replaces tyrosine 43 with cysteine.
Molecular consequence: missense variant.
Genome position (GRCh38, 1-based): chr8:107,497,431, T>C on the plus strand (A>G on the coding strand, the complement: ANGPT1 is on the minus strand). VCF-style: chr8-107497431-T-C. GRCh37 (hg19) VCF-style: chr8-108509659-T-C.
Other names: c.128A>G, p.Tyr43Cys (NM_001199859.3); short protein forms Y43C.
Identifiers: ClinVar variation 4703586 (VCV004703586.1).

ClinVar aggregate classification (germline): Uncertain significance (1 of 4 stars; one submission).

Submission:

Labcorp Genetics (formerly Invitae), Labcorp
Classification: Uncertain significance. Last evaluated: 2026-01-08. Review status: criteria provided, single submitter. Criteria: Invitae Variant Classification Sherloc (09022015). Collection method: clinical testing. Allele origin: germline.
Comment: This sequence change replaces tyrosine, which is neutral and polar, with cysteine, which is neutral and slightly polar, at codon 43 of the ANGPT1 protein (p.Tyr43Cys). This variant is present in population databases (no rsID available, gnomAD 0.006%). This variant has not been reported in the literature in individuals affected with ANGPT1-related conditions. An algorithm developed to predict the effect of missense changes on protein structure and function (PolyPhen-2) suggests that this variant is likely to be disruptive. In summary, the available evidence is currently insufficient to determine the role of this variant in disease. Therefore, it has been classified as a Variant of Uncertain Significance.